The following is an entry in ClinVar:

NM_152558.5(IQCE):c.1786A>G (p.Thr596Ala)

Gene: IQCE (IQ motif containing E; plus strand). Cytogenetic location: 7p22.3.
Variant type: single nucleotide variant.
Coding change: c.1786A>G on transcript NM_152558.5 (MANE Select); coding-DNA position 1786, A replaced by G.
Protein change: p.Thr596Ala; replaces threonine 596 with alanine.
Molecular consequence: missense variant.
Genome position (GRCh38, 1-based): chr7:2,605,918, A>G. VCF-style: chr7-2605918-A-G. GRCh37 (hg19) VCF-style: chr7-2645552-A-G.
Other names: c.1786A>G, p.Thr596Ala (NM_001287499.2); c.1738A>G, p.Thr580Ala (NM_001287500.2); c.1591A>G, p.Thr531Ala (NM_001287501.2, NM_001287502.2); c.1786A>G (NM_152558.4); short protein forms T531A, T580A, T596A.
Identifiers: ClinVar variation 1300125 (VCV001300125.4), dbSNP rs2293407, ClinGen allele CA4129479.

ClinVar aggregate classification (germline): Benign. Review status: criteria provided, single submitter (1 of 4 stars). 2 submissions from 2 submitters: Benign (1). 1 of the submissions does not count toward it. Last evaluated 2021-08-19.

Conditions:
Polydactyly, postaxial, type a7. Identifiers: MedGen C4539976, MONDO:0060550, OMIM 617642.
IQCE-related disorder. Also called: IQCE-related condition.

Allele frequency attached by ClinVar (database versions not stated): ESP Exome Variant Server 0.30415; gnomAD exomes 0.31272 and 0.34784; gnomAD 0.33901 and 0.34170; ExAC 0.34921; TOPMed 0.35027; 1000 Genomes Project 30x 0.41162; 1000 Genomes Project 0.41394.
gnomAD v4.1: 507,116 of 1,607,206 alleles (32%); highest among the groups gnomAD compares: East Asian, 54%; 83,438 homozygotes.

Submissions (2):

Genome-Nilou Lab
Classification: Benign for Polydactyly, postaxial, type a7. Last evaluated: 2021-08-19. Review status: criteria provided, single submitter. Criteria: ACMG Guidelines, 2015. Collection method: clinical testing. Allele origin: germline. Affected: no.

PreventionGenetics, part of Exact Sciences
Classification: Benign for IQCE-related condition. Last evaluated: 2023-02-01. Review status: no assertion criteria provided. Collection method: clinical testing. Allele origin: germline. Not counted in ClinVar's aggregate classification.
Comment: This variant is classified as benign based on ACMG/AMP sequence variant interpretation guidelines (Richards et al. 2015 PMID: 25741868, with internal and published modifications).